The following is an entry in ClinVar:

ClinVar aggregate classification (germline): Uncertain significance. Review status: criteria provided, multiple submitters, no conflicts (2 of 4 stars). 2 submissions from 2 submitters: Uncertain significance (2). Last evaluated 2023-03-17.

Conditions:
Inborn genetic diseases. Identifiers: MedGen C0950123, MeSH D030342.
Purine-nucleoside phosphorylase deficiency. Also called: NUCLEOSIDE PHOSPHORYLASE DEFICIENCY; Immunodeficiency due to purine nucleoside phosphorylase deficiency. Identifiers: Orphanet 760, MedGen C0268125, MONDO:0013171, OMIM 613179.

Submissions (2):

Ambry Genetics
Classification: Uncertain significance for Inborn genetic diseases. Last evaluated: 2023-03-17. Review status: criteria provided, single submitter. Criteria: Ambry Variant Classification Scheme 2023. Collection method: clinical testing. Allele origin: germline.

Labcorp Genetics (formerly Invitae), Labcorp
Classification: Uncertain significance for Purine-nucleoside phosphorylase deficiency. Last evaluated: 2020-09-01. Review status: criteria provided, single submitter. Criteria: Invitae Variant Classification Sherloc (09022015). Collection method: clinical testing. Allele origin: germline.
Comment: In summary, the available evidence is currently insufficient to determine the role of this variant in disease. Therefore, it has been classified as a Variant of Uncertain Significance. Algorithms developed to predict the effect of missense changes on protein structure and function are either unavailable or do not agree on the potential impact of this missense change (SIFT: "Deleterious"; PolyPhen-2: "Possibly Damaging"; Align-GVGD: "Class C0"). This variant has not been reported in the literature in individuals with PNP-related conditions. This variant is not present in population databases (ExAC no frequency). This sequence change replaces valine with alanine at codon 112 of the PNP protein (p.Val112Ala). The valine residue is weakly conserved and there is a small physicochemical difference between valine and alanine.

NM_000270.4(PNP):c.335T>C (p.Val112Ala)

Gene: PNP (purine nucleoside phosphorylase; plus strand). Cytogenetic location: 14q11.2.
Variant type: single nucleotide variant.
Coding change: c.335T>C on transcript NM_000270.4 (MANE Select); coding-DNA position 335, T replaced by C.
Protein change: p.Val112Ala; replaces valine 112 with alanine.
Molecular consequence: missense variant.
Genome position (GRCh38, 1-based): chr14:20,474,822, T>C. VCF-style: chr14-20474822-T-C. GRCh37 (hg19) VCF-style: chr14-20942981-T-C.
Other names: c.335T>C (NM_000270.3); short protein forms V112A.
Identifiers: ClinVar variation 1011725 (VCV001011725.10), dbSNP rs1882063797, ClinGen allele CA389145174.